The following is an entry in ClinVar:

NM_000264.5(PTCH1):c.1689del (p.Ala563_Leu564insTer)

Gene: PTCH1 (patched 1; minus strand). Cytogenetic location: 9q22.32.
Variant type: Deletion.
Coding change: c.1689del on transcript NM_000264.5 (MANE Select); coding-DNA position 1689, one base deleted (G; older notation c.1689delG).
Protein change: p.Ala563_Leu564insTer.
Molecular consequence: frameshift variant. On other transcripts: non-coding transcript variant (1).
Genome position (GRCh38, 1-based): chr9:95,476,073, C deleted on the plus strand (G on the coding strand, the reverse complement: PTCH1 is on the minus strand). VCF-style (leftmost placement, unchanged base first): chr9-95476072-AC-A. GRCh37 (hg19) VCF-style: chr9-98238354-AC-A.
Other names: c.1491del, p.Ala497_Leu498insTer (NM_001083602.3); c.1686del, p.Ala562_Leu563insTer (NM_001083603.3); c.1236del, p.Ala412_Leu413insTer (NM_001083604.3, NM_001083605.3, NM_001083606.3 and 1 more transcripts); c.1533del, p.Ala511_Leu512insTer (NM_001354918.2).
Identifiers: ClinVar variation 3651306 (VCV003651306.2).

ClinVar aggregate classification (germline): Pathogenic (1 of 4 stars; one submission).

Conditions:
Gorlin syndrome. Also called: Nevoid Basal Cell Carcinoma Syndrome; Basal cell nevus syndrome. Identifiers: Orphanet 377, MedGen C0004779, MONDO:0007187.

Submission:

Labcorp Genetics (formerly Invitae), Labcorp
Classification: Pathogenic for Gorlin syndrome. Last evaluated: 2024-04-27. Review status: criteria provided, single submitter. Criteria: Invitae Variant Classification Sherloc (09022015). Collection method: clinical testing. Allele origin: germline.
Comment: This sequence change creates a premature translational stop signal (p.Leu564*) in the PTCH1 gene. It is expected to result in an absent or disrupted protein product. Loss-of-function variants in PTCH1 are known to be pathogenic (PMID: 16301862, 16419085). This variant is not present in population databases (gnomAD no frequency). This premature translational stop signal has been observed in individual(s) with PTCH1-related conditions (PMID: 29575684). For these reasons, this variant has been classified as Pathogenic.

Literature cited by the submitters: PubMed 16301862; PubMed 16419085; PubMed 29575684.